The following is an entry in ClinVar:

NM_032382.5(COG8):c.766C>G (p.Arg256Gly)

Gene: COG8 (component of oligomeric golgi complex 8; minus strand). Cytogenetic location: 16q22.1.
Variant type: single nucleotide variant.
Coding change: c.766C>G on transcript NM_032382.5 (MANE Select); coding-DNA position 766, C replaced by G.
Protein change: p.Arg256Gly; replaces arginine 256 with glycine.
Molecular consequence: missense variant.
Genome position (GRCh38, 1-based): chr16:69,335,168, G>C on the plus strand (C>G on the coding strand, the complement: COG8 is on the minus strand). VCF-style: chr16-69335168-G-C. GRCh37 (hg19) VCF-style: chr16-69369071-G-C.
Other names: c.766C>G, p.Arg256Gly (NM_001374871.1, NM_001379261.1, NM_001379262.1 and 4 more transcripts); short protein forms R256G.
Identifiers: ClinVar variation 1386820 (VCV001386820.8), dbSNP rs370783972, ClinGen allele CA396486943.

ClinVar aggregate classification (germline): Uncertain significance (1 of 4 stars; one submission).

Conditions:
COG8-congenital disorder of glycosylation. Also called: CDG IIh; COG8-CDG. Identifiers: Orphanet 95428, MedGen C1970021, MONDO:0012635, OMIM 611182.

Submission:

Labcorp Genetics (formerly Invitae), Labcorp
Classification: Uncertain significance for COG8-congenital disorder of glycosylation. Last evaluated: 2021-03-12. Review status: criteria provided, single submitter. Criteria: Invitae Variant Classification Sherloc (09022015). Collection method: clinical testing. Allele origin: germline.
Comment: This sequence change replaces arginine with glycine at codon 256 of the COG8 protein (p.Arg256Gly). The arginine residue is moderately conserved and there is a moderate physicochemical difference between arginine and glycine. This variant is not present in population databases (ExAC no frequency). This variant has not been reported in the literature in individuals with COG8-related conditions. Algorithms developed to predict the effect of missense changes on protein structure and function are either unavailable or do not agree on the potential impact of this missense change (SIFT: "Deleterious"; PolyPhen-2: "Benign"; Align-GVGD: "Class C0"). In summary, the available evidence is currently insufficient to determine the role of this variant in disease. Therefore, it has been classified as a Variant of Uncertain Significance.